The following is an entry in ClinVar:

NM_000140.5(FECH):c.34C>T (p.Leu12=)

Genes: FECH (ferrochelatase; minus strand), LOC130062560 (ATAC-STARR-seq lymphoblastoid silent region 9481; plus strand). Cytogenetic location: 18q21.31.
Variant type: single nucleotide variant.
Coding change: c.34C>T on transcript NM_000140.5 (MANE Select); coding-DNA position 34, C replaced by T.
Protein change: p.Leu12=; no amino-acid change (leucine 12 retained).
Molecular consequence: synonymous variant. On other transcripts: 5 prime UTR variant (1).
Genome position (GRCh38, 1-based): chr18:57,586,587, G>A on the plus strand (C>T on the coding strand, the complement: FECH is on the minus strand). VCF-style: chr18-57586587-G-A. GRCh37 (hg19) VCF-style: chr18-55253819-G-A.
Other names: c.34C>T, p.Leu12= (NM_001012515.4, NM_001371094.1, NM_001374778.1); c.-293C>T (NM_001371095.1); c.34C>T (NM_000140.3).
Identifiers: ClinVar variation 1615173 (VCV001615173.9), dbSNP rs553190693, ClinGen allele CA8973337.

ClinVar aggregate classification (germline): Benign/Likely benign. Review status: criteria provided, multiple submitters, no conflicts (2 of 4 stars). 2 submissions from 2 submitters: Benign (1); Likely benign (1). Last evaluated 2025-07-15.

Conditions:
FECH-related disorder. Also called: FECH-related condition.

Allele frequency attached by ClinVar (database versions not stated): 1000 Genomes Project 0.00020; TOPMed 0.00024; gnomAD exomes 0.00030 and 0.00041; 1000 Genomes Project 30x 0.00031; gnomAD 0.00052 and 0.00053; ExAC 0.00063.
gnomAD v4.1: 516 of 1,523,010 alleles (0.034%); highest among the groups gnomAD compares: South Asian, 0.058%; 2 homozygotes.

Submissions (2):

Labcorp Genetics (formerly Invitae), Labcorp
Classification: Benign. Last evaluated: 2025-07-15. Review status: criteria provided, single submitter. Criteria: Invitae Variant Classification Sherloc (09022015). Collection method: clinical testing. Allele origin: germline.

PreventionGenetics, part of Exact Sciences
Classification: Likely benign for FECH-related condition. Last evaluated: 2025-04-23. Review status: criteria provided, single submitter. Criteria: ACMG Guidelines, 2015. Collection method: clinical testing. Allele origin: germline.
Comment: This variant is classified as likely benign based on ACMG/AMP sequence variant interpretation guidelines (Richards et al. 2015 PMID: 25741868, with internal and published modifications).